The following is an entry in ClinVar:

NM_002645.4(PIK3C2A):c.245A>G (p.Asp82Gly)

Gene: PIK3C2A (phosphatidylinositol-4-phosphate 3-kinase catalytic subunit type 2 alpha; minus strand). Cytogenetic location: 11p15.1.
Variant type: single nucleotide variant.
Coding change: c.245A>G on transcript NM_002645.4 (MANE Select); coding-DNA position 245, A replaced by G.
Protein change: p.Asp82Gly; replaces aspartic acid 82 with glycine.
Molecular consequence: missense variant. On other transcripts: intron variant (1).
Genome position (GRCh38, 1-based): chr11:17,169,497, T>C on the plus strand (A>G on the coding strand, the complement: PIK3C2A is on the minus strand). VCF-style: chr11-17169497-T-C. GRCh37 (hg19) VCF-style: chr11-17191044-T-C.
Other names: c.245A>G, p.Asp82Gly (NM_001321378.2, NM_001386870.1); c.-75-13868A>G (NM_001321380.2); short protein forms D82G.
Identifiers: ClinVar variation 2179389 (VCV002179389.4), dbSNP rs2494269634, ClinGen allele CA379778152.

ClinVar aggregate classification (germline): Uncertain significance (1 of 4 stars; one submission).

Allele frequency attached by ClinVar (database versions not stated): gnomAD exomes below 0.00001.
gnomAD v4.1: 2 of 1,614,006 alleles (0.00012%); highest among the groups gnomAD compares: Non-Finnish European, 0.00017%; no homozygotes.

Submission:

Labcorp Genetics (formerly Invitae), Labcorp
Classification: Uncertain significance. Last evaluated: 2025-01-06. Review status: criteria provided, single submitter. Criteria: Invitae Variant Classification Sherloc (09022015). Collection method: clinical testing. Allele origin: germline.
Comment: This sequence change replaces aspartic acid, which is acidic and polar, with glycine, which is neutral and non-polar, at codon 82 of the PIK3C2A protein (p.Asp82Gly). This variant is not present in population databases (gnomAD no frequency). This variant has not been reported in the literature in individuals affected with PIK3C2A-related conditions. ClinVar contains an entry for this variant (Variation ID: 2179389). An algorithm developed to predict the effect of missense changes on protein structure and function (PolyPhen-2) suggests that this variant is likely to be tolerated. In summary, the available evidence is currently insufficient to determine the role of this variant in disease. Therefore, it has been classified as a Variant of Uncertain Significance.